The following is an entry in ClinVar:

ClinVar aggregate classification (germline): Pathogenic (1 of 4 stars; one submission).

Conditions:
Ehlers-Danlos syndrome due to tenascin-X deficiency (EDSCLL1). Also called: EDS DUE TO TNX DEFICIENCY; TNX DEFICIENCY; Ehlers-Danlos syndrome, classic-like, 1; EHLERS-DANLOS SYNDROME, CLASSIC-LIKE; TNXB-Related Classical-Like Ehlers-Danlos Syndrome. Identifiers: Orphanet 230839, MedGen C1848029, MONDO:0011670, OMIM 606408.

Submission:

Myriad Genetics, Inc.
Classification: Pathogenic for Ehlers-Danlos syndrome due to tenascin-X deficiency. Last evaluated: 2025-10-18. Review status: criteria provided, single submitter. Criteria: Myriad Autosomal Dominant, Autosomal Recessive and X-Linked Classification Criteria (2023). Collection method: clinical testing. Allele origin: unknown.
Comment: NM_019105.6(TNXB):c.6323_6324delCT(P2108Rfs*39) is expected to be pathogenic in the context of classical-like Ehlers-Danlos syndrome, TNXB-related. This variant is predicted to lead to an abnormal or absent protein product due to the creation of a premature termination codon in TNXB, a gene where loss-of-function variants are known to be pathogenic. Please note: this variant was assessed in the context of healthy population screening.

NM_001365276.2(TNXB):c.6323_6324del (p.Pro2108fs)

Gene: TNXB (tenascin XB; minus strand). Cytogenetic location: 6p21.33.
Variant type: Deletion.
Coding change: c.6323_6324del on transcript NM_001365276.2 (MANE Select); coding-DNA positions 6323 to 6324, 2 bases deleted (CT; older notation c.6323_6324delCT).
Protein change: p.Pro2108fs; shifts the reading frame from proline 2108.
Molecular consequence: frameshift variant.
Genome position (GRCh38, 1-based): chr6:32,067,881-32,067,882, AG deleted on the plus strand (CT on the coding strand, the reverse complement: TNXB is on the minus strand). VCF-style (leftmost placement, unchanged base first): chr6-32067880-CAG-C. GRCh37 (hg19) VCF-style: chr6-32035657-CAG-C.
Other names: c.7064_7065del, p.Pro2355fs (NM_001428335.1); c.6323_6324del, p.Pro2108fs (NM_019105.8); short protein forms P2108fs, P2355fs.
Identifiers: ClinVar variation 5015102 (VCV005015102.1).